The following is an entry in ClinVar:

ClinVar aggregate classification (germline): Uncertain significance. Review status: criteria provided, multiple submitters, no conflicts (2 of 4 stars). 2 submissions from 2 submitters: Uncertain significance (2). Last evaluated 2024-08-15.

Conditions:
RASopathy. Also called: Noonan spectrum disorder; rasopathies. Identifiers: Orphanet 536391, MedGen C5555857, MONDO:0021060.

Allele frequency attached by ClinVar (database versions not stated): gnomAD exomes 0.00001.

Submissions (2):

Labcorp Genetics (formerly Invitae), Labcorp
Classification: Uncertain significance for RASopathy. Last evaluated: 2024-08-15. Review status: criteria provided, single submitter. Criteria: Invitae Variant Classification Sherloc (09022015). Collection method: clinical testing. Allele origin: germline.
Comment: This sequence change replaces proline, which is neutral and non-polar, with leucine, which is neutral and non-polar, at codon 340 of the MAP2K2 protein (p.Pro340Leu). This variant is present in population databases (no rsID available, gnomAD 0.01%). This variant has not been reported in the literature in individuals affected with MAP2K2-related conditions. ClinVar contains an entry for this variant (Variation ID: 997863). Invitae Evidence Modeling of protein sequence and biophysical properties (such as structural, functional, and spatial information, amino acid conservation, physicochemical variation, residue mobility, and thermodynamic stability) indicates that this missense variant is not expected to disrupt MAP2K2 protein function with a negative predictive value of 95%. In summary, the available evidence is currently insufficient to determine the role of this variant in disease. Therefore, it has been classified as a Variant of Uncertain Significance.

Women's Health and Genetics/Laboratory Corporation of America, LabCorp
Classification: Uncertain significance. Last evaluated: 2021-02-01. Review status: criteria provided, single submitter. Criteria: LabCorp Variant Classification Summary - May 2015. Collection method: clinical testing. Allele origin: germline.
Comment: Variant summary: MAP2K2 c.1019C>T (p.Pro340Leu) results in a non-conservative amino acid change located in the Protein kinase domain (IPR000719) of the encoded protein sequence. Three of five in-silico tools predict a benign effect of the variant on protein function. The variant allele was found at a frequency of 6.4e-06 in 156354 control chromosomes (gnomAD). The available data on variant occurrences in the general population are insufficient to allow any conclusion about variant significance. To our knowledge, no occurrence of c.1019C>T in individuals affected with Cardiofaciocutaneous Syndrome and no experimental evidence demonstrating its impact on protein function have been reported. No clinical diagnostic laboratories have submitted clinical-significance assessments for this variant to ClinVar after 2014. Based on the evidence outlined above, the variant was classified as uncertain significance.

NM_030662.4(MAP2K2):c.1019C>T (p.Pro340Leu)

Gene: MAP2K2 (mitogen-activated protein kinase kinase 2; minus strand). Cytogenetic location: 19p13.3.
Variant type: single nucleotide variant.
Coding change: c.1019C>T on transcript NM_030662.4 (MANE Select); coding-DNA position 1019, C replaced by T.
Protein change: p.Pro340Leu; replaces proline 340 with leucine.
Molecular consequence: missense variant.
Genome position (GRCh38, 1-based): chr19:4,095,415, G>A on the plus strand (C>T on the coding strand, the complement: MAP2K2 is on the minus strand). VCF-style: chr19-4095415-G-A. GRCh37 (hg19) VCF-style: chr19-4095413-G-A.
Other names: short protein forms P340L.
Identifiers: ClinVar variation 997863 (VCV000997863.3), dbSNP rs1277686711, ClinGen allele CA403383327.